The following is an entry in ClinVar:

NM_152564.5(VPS13B):c.1727G>C (p.Ser576Thr)

Gene: VPS13B (vacuolar protein sorting 13 homolog B; plus strand). Cytogenetic location: 8q22.2.
Variant type: single nucleotide variant.
Coding change: c.1727G>C on transcript NM_152564.5 (MANE Select); coding-DNA position 1727, G replaced by C.
Protein change: p.Ser576Thr; replaces serine 576 with threonine.
Molecular consequence: missense variant.
Genome position (GRCh38, 1-based): chr8:99,143,049, G>C. VCF-style: chr8-99143049-G-C. GRCh37 (hg19) VCF-style: chr8-100155277-G-C.
Other names: c.1727G>C, p.Ser576Thr (NM_015243.3, NM_017890.5); short protein forms S576T.
Identifiers: ClinVar variation 1359725 (VCV001359725.8), dbSNP rs2132581178, ClinGen allele CA371863951.

ClinVar aggregate classification (germline): Uncertain significance (1 of 4 stars; one submission).

Conditions:
Cohen syndrome (COH1). Also called: PEPPER SYNDROME; Cutis verticis gyrata, retinitis pigmentosa, and sensorineural deafness. Identifiers: Orphanet 193, MedGen C0265223, MONDO:0008999, OMIM 216550.

Submission:

Labcorp Genetics (formerly Invitae), Labcorp
Classification: Uncertain significance for Cohen syndrome. Last evaluated: 2021-06-07. Review status: criteria provided, single submitter. Criteria: Invitae Variant Classification Sherloc (09022015). Collection method: clinical testing. Allele origin: germline.
Comment: In summary, the available evidence is currently insufficient to determine the role of this variant in disease. Therefore, it has been classified as a Variant of Uncertain Significance. Algorithms developed to predict the effect of missense changes on protein structure and function output the following: SIFT: "Not Available"; PolyPhen-2: "Benign"; Align-GVGD: "Not Available". The threonine amino acid residue is found in multiple mammalian species, suggesting that this missense change does not adversely affect protein function. These predictions have not been confirmed by published functional studies and their clinical significance is uncertain. This variant has not been reported in the literature in individuals with VPS13B-related conditions. This variant is not present in population databases (ExAC no frequency). This sequence change replaces serine with threonine at codon 576 of the VPS13B protein (p.Ser576Thr). The serine residue is weakly conserved and there is a small physicochemical difference between serine and threonine.